The following is an entry in ClinVar:

ClinVar aggregate classification (germline): Likely benign (1 of 4 stars; one submission).

Allele frequency attached by ClinVar (database versions not stated): ESP Exome Variant Server 0.00023; TOPMed 0.00057; 1000 Genomes Project 30x 0.00062; gnomAD exomes 0.00063; 1000 Genomes Project 0.00080; gnomAD 0.00102; ExAC 0.00168.
gnomAD v4.1: 1,088 of 1,612,246 alleles (0.067%); highest among the groups gnomAD compares: East Asian, 0.6%; 13 homozygotes.

Submission:

CeGaT Center for Human Genetics Tuebingen
Classification: Likely benign. Last evaluated: 2023-01-01. Review status: criteria provided, single submitter. Criteria: CeGaT Center For Human Genetics Tuebingen Variant Classification Criteria Version 2. Collection method: clinical testing. Allele origin: germline. Affected: yes. Observed: 1 variant allele.
Comment: SMTN: BP4, BP7

NM_134269.3(SMTN):c.1503C>T (p.Thr501=)

Gene: SMTN (smoothelin; plus strand). Cytogenetic location: 22q12.2.
Variant type: single nucleotide variant.
Coding change: c.1503C>T on transcript NM_134269.3 (MANE Select); coding-DNA position 1503, C replaced by T.
Protein change: p.Thr501=; no amino-acid change (threonine 501 retained).
Molecular consequence: synonymous variant. On other transcripts: non-coding transcript variant (4).
Genome position (GRCh38, 1-based): chr22:31,091,718, C>T. VCF-style: chr22-31091718-C-T. GRCh37 (hg19) VCF-style: chr22-31487704-C-T.
Other names: c.1665C>T, p.Thr555= (NM_001207017.1, NM_001382643.1, NM_001382644.1); c.1671C>T, p.Thr557= (NM_001207018.2); c.1503C>T, p.Thr501= (NM_001382638.1, NM_001382639.1, NM_001382640.1 and 6 more transcripts); c.1785C>T, p.Thr595= (NM_001382642.1); c.477C>T, p.Thr159= (NM_001382648.1).
Identifiers: ClinVar variation 2653066 (VCV002653066.24), dbSNP rs149731578, ClinGen allele CA10187933.